The following is an entry in ClinVar:

NM_007194.4(CHEK2):c.29A>T (p.Gln10Leu)

Gene: CHEK2 (checkpoint kinase 2; minus strand). Cytogenetic location: 22q12.1.
Variant type: single nucleotide variant.
Coding change: c.29A>T on transcript NM_007194.4 (MANE Select); coding-DNA position 29, A replaced by T.
Protein change: p.Gln10Leu; replaces glutamine 10 with leucine.
Molecular consequence: missense variant.
Genome position (GRCh38, 1-based): chr22:28,734,693, T>A on the plus strand (A>T on the coding strand, the complement: CHEK2 is on the minus strand). VCF-style: chr22-28734693-T-A. GRCh37 (hg19) VCF-style: chr22-29130681-T-A.
Other names: c.29A>T, p.Gln10Leu (NM_001005735.3, NM_001349956.3, NM_145862.3); c.-749A>T (NM_001257387.3); short protein forms Q10L.
Identifiers: ClinVar variation 1390349 (VCV001390349.7), dbSNP rs2146156178, ClinGen allele CA411092003.
Genomic context (GRCh38, chr22:28,734,693, plus strand): 5'-CCTTGGGACTGGGTAACGCTGCCATGGGGCTGTGAACAGGCACTGCTGCCATGAGACTGC[T>A]GAGCCTCAACATCCGACTCCCGAGACATCACGACCTCAAAAAGAAAGTGTCCAACAACAA-3'
Protein context (NP_009125.1, residues 1-20): MSRESDVEA[Gln10Leu]QSHGSSACSQ

ClinVar aggregate classification (germline): Uncertain significance (1 of 4 stars; one submission).

Conditions:
Familial cancer of breast. Also called: BREAST CANCER, FAMILIAL; Hereditary breast cancer; hereditary breast carcinoma. Identifiers: Orphanet 227535, MedGen C0346153, MONDO:0016419, OMIM 114480. Disease mechanism: loss of function.

Submission:

Labcorp Genetics (formerly Invitae), Labcorp
Classification: Uncertain significance for Familial cancer of breast. Last evaluated: 2021-10-31. Review status: criteria provided, single submitter. Criteria: Invitae Variant Classification Sherloc (09022015). Collection method: clinical testing. Allele origin: germline.
Comment: In summary, the available evidence is currently insufficient to determine the role of this variant in disease. Therefore, it has been classified as a Variant of Uncertain Significance. Algorithms developed to predict the effect of missense changes on protein structure and function are either unavailable or do not agree on the potential impact of this missense change (SIFT: "Deleterious"; PolyPhen-2: "Benign"; Align-GVGD: "Class C15"). This variant has not been reported in the literature in individuals affected with CHEK2-related conditions. This variant is not present in population databases (gnomAD no frequency). This sequence change replaces glutamine, which is neutral and polar, with leucine, which is neutral and non-polar, at codon 10 of the CHEK2 protein (p.Gln10Leu).